The following is an entry in ClinVar:

NM_031885.5(BBS2):c.145A>G (p.Asn49Asp)

Gene: BBS2 (Bardet-Biedl syndrome 2; minus strand). Cytogenetic location: 16q13.
Variant type: single nucleotide variant.
Coding change: c.145A>G on transcript NM_031885.5 (MANE Select); coding-DNA position 145, A replaced by G.
Protein change: p.Asn49Asp; replaces asparagine 49 with aspartic acid.
Molecular consequence: missense variant. On other transcripts: non-coding transcript variant (5).
Genome position (GRCh38, 1-based): chr16:56,514,653, T>C on the plus strand (A>G on the coding strand, the complement: BBS2 is on the minus strand). VCF-style: chr16-56514653-T-C. GRCh37 (hg19) VCF-style: chr16-56548565-T-C.
Other names: c.145A>G, p.Asn49Asp (NM_001377456.1); short protein forms N49D.
Identifiers: ClinVar variation 2646547 (VCV002646547.24), dbSNP rs2543741959, ClinGen allele CA395986343.
Genomic context (GRCh38, chr16:56,514,653, plus strand): 5'-GAAGAGAAACATCAGATTCCAGGGGGCTCTGGAAGACCCTGGATGCACTGACATGCTGGT[T>C]CCGTGTATGAGGATTATGAATAAAAACCTGAAACAAAAATAACTAATTACATTCCCTTAA-3'
Protein context (NP_114091.4, residues 39-59): KVFIHNPHTR[Asn49Asp]QHVSASRVFQ

ClinVar aggregate classification (germline): Uncertain significance (1 of 4 stars; one submission).

Allele frequency attached by ClinVar (database versions not stated): gnomAD exomes 0.00001.
gnomAD v4.1: 4 of 1,614,080 alleles (0.00025%); highest among the groups gnomAD compares: South Asian, 0.0011%; no homozygotes.

Submission:

CeGaT Center for Human Genetics Tuebingen
Classification: Uncertain significance. Last evaluated: 2023-09-01. Review status: criteria provided, single submitter. Criteria: CeGaT Center For Human Genetics Tuebingen Variant Classification Criteria Version 2. Collection method: clinical testing. Allele origin: germline. Affected: yes. Observed: 1 variant allele.
Comment: BBS2: PM2, BP4